The following is an entry in ClinVar:

ClinVar aggregate classification (germline): Conflicting classifications of pathogenicity. Review status: criteria provided, conflicting classifications (1 of 4 stars). 3 submissions from 3 submitters: Uncertain significance (1); Benign (1); Likely benign (1). Last evaluated 2025-10-01.

Allele frequency attached by ClinVar (database versions not stated): TOPMed 0.00013; 1000 Genomes Project 30x 0.00021; 1000 Genomes Project 0.00026.
gnomAD v4.1: 57 of 1,209,686 alleles (0.0047%); highest among the groups gnomAD compares: East Asian, 0.053%; no homozygotes.

Submissions (3):

CeGaT Center for Human Genetics Tuebingen
Classification: Likely benign. Last evaluated: 2025-10-01. Review status: criteria provided, single submitter. Criteria: CeGaT Center For Human Genetics Tuebingen Variant Classification Criteria Version 2. Collection method: clinical testing. Allele origin: germline. Affected: yes. Observed: 1 variant allele.
Comment: PGAM4: BS2

Ambry Genetics
Classification: Uncertain significance. Last evaluated: 2024-10-09. Review status: criteria provided, single submitter. Criteria: Ambry Variant Classification Scheme 2023. Collection method: clinical testing. Allele origin: germline.

Center for Pediatric Genomic Medicine, Children's Mercy Hospital and Clinics
Classification: Benign. Last evaluated: 2014-12-05. Review status: criteria provided, single submitter. Criteria: ACMG Guidelines, 2015. Collection method: clinical testing. Allele origin: germline.

NM_001029891.3(PGAM4):c.649G>A (p.Val217Ile)

Genes: ATP7A (ATPase copper transporting alpha; plus strand), PGAM4 (phosphoglycerate mutase family member 4; minus strand). Cytogenetic location: Xq21.1.
Variant type: single nucleotide variant.
Coding change: c.649G>A on transcript NM_001029891.3 (MANE Select); coding-DNA position 649, G replaced by A.
Protein change: p.Val217Ile; replaces valine 217 with isoleucine.
Molecular consequence: missense variant. On other transcripts: intron variant (2).
Genome position (GRCh38, 1-based): chrX:77,968,990, C>T on the plus strand (G>A on the coding strand, the complement: PGAM4 is on the minus strand). VCF-style: chrX-77968990-C-T. GRCh37 (hg19) VCF-style: chrX-77224487-C-T.
Other names: c.-21-2631C>T (NM_000052.7, NM_001282224.2); short protein forms V217I.
Identifiers: ClinVar variation 235208 (VCV000235208.12), dbSNP rs376654190, ClinGen allele CA10458775.